The following is an entry in ClinVar:

ClinVar aggregate classification (germline): Likely benign. Review status: criteria provided, single submitter (1 of 4 stars). 2 submissions from 2 submitters: Likely benign (1). 1 of the submissions does not count toward it. Last evaluated 2024-07-01.

Conditions:
Luscan-Lumish syndrome. Identifiers: Orphanet 597738, MedGen C4085873, MONDO:0014791, OMIM 616831.

Allele frequency attached by ClinVar (database versions not stated): gnomAD exomes 0.00001 and 0.00009; TOPMed 0.00002; gnomAD 0.00004 and 0.00005; ExAC 0.00005; 1000 Genomes Project 30x 0.00016; 1000 Genomes Project 0.00020.

Submissions (2):

Labcorp Genetics (formerly Invitae), Labcorp
Classification: Likely benign for Luscan-Lumish syndrome. Last evaluated: 2024-07-01. Review status: criteria provided, single submitter. Criteria: Invitae Variant Classification Sherloc (09022015). Collection method: clinical testing. Allele origin: germline.

ITMI
No classification provided. Condition: AllHighlyPenetrant. Last evaluated: 2013-09-19. Review status: no classification provided. Collection method: reference population. Allele origin: germline. Not counted in ClinVar's aggregate classification.
Comment: Please see associated publication for description of ethnicities

Literature cited by the submitters: PubMed 24728327 (cited by ITMI).

NM_014159.7(SETD2):c.310C>A (p.Pro104Thr)

Gene: SETD2 (SET domain containing 2, histone lysine methyltransferase; minus strand). Cytogenetic location: 3p21.31.
Variant type: single nucleotide variant.
Coding change: c.310C>A on transcript NM_014159.7 (MANE Select); coding-DNA position 310, C replaced by A.
Protein change: p.Pro104Thr; replaces proline 104 with threonine.
Molecular consequence: missense variant. On other transcripts: non-coding transcript variant (1).
Genome position (GRCh38, 1-based): chr3:47,124,326, G>T on the plus strand (C>A on the coding strand, the complement: SETD2 is on the minus strand). VCF-style: chr3-47124326-G-T. GRCh37 (hg19) VCF-style: chr3-47165816-G-T.
Other names: c.178C>A, p.Pro60Thr (NM_001349370.3); short protein forms P104T, P60T.
Identifiers: ClinVar variation 135223 (VCV000135223.8), dbSNP rs539506462, ClinGen allele CA162062.